The following is an entry in ClinVar:

NM_004082.5(DCTN1):c.581C>T (p.Pro194Leu)

Gene: DCTN1 (dynactin subunit 1; minus strand). Cytogenetic location: 2p13.1.
Variant type: single nucleotide variant.
Coding change: c.581C>T on transcript NM_004082.5 (MANE Select); coding-DNA position 581, C replaced by T.
Protein change: p.Pro194Leu; replaces proline 194 with leucine.
Molecular consequence: missense variant. On other transcripts: non-coding transcript variant (1).
Genome position (GRCh38, 1-based): chr2:74,371,601, G>A on the plus strand (C>T on the coding strand, the complement: DCTN1 is on the minus strand). VCF-style: chr2-74371601-G-A. GRCh37 (hg19) VCF-style: chr2-74598728-G-A.
Other names: c.521C>T, p.Pro174Leu (NM_001135040.3); c.179C>T, p.Pro60Leu (NM_001135041.3, NM_023019.4); c.470C>T, p.Pro157Leu (NM_001190836.2); c.560C>T, p.Pro187Leu (NM_001190837.2); c.530C>T, p.Pro177Leu (NM_001378991.1); c.512C>T, p.Pro171Leu (NM_001378992.1); short protein forms P157L, P194L, P60L, P174L, P187L, P171L, P177L.
Identifiers: ClinVar variation 373983 (VCV000373983.9), dbSNP rs1057518814, ClinGen allele CA16043393.
Genomic context (GRCh38, chr2:74,371,601, plus strand): 5'-GATGGGGAAGGAAGCGGGGGGACTGCTCCAGGAGAGGTGAGGACCGGCGTGGGGATGATG[G>A]GTGCTGCCAGCGGAGTCTGAGCCGGGGTGCTGGGCTCACTGCTGCTCAGCTCACCTGCTG-3'
Protein context (NP_004073.2, residues 184-204): STPAQTPLAA[Pro194Leu]IIPTPVLTSP

ClinVar aggregate classification (germline): Uncertain significance. Review status: criteria provided, multiple submitters, no conflicts (2 of 4 stars). 4 submissions from 4 submitters: Uncertain significance (4). Last evaluated 2026-08-06.

Conditions:
Amyotrophic lateral sclerosis type 1 (ALS1). Also called: AMYOTROPHIC LATERAL SCLEROSIS 1, FAMILIAL. Identifiers: Orphanet 803, MedGen C1862939, MONDO:0007103, OMIM 105400.
Perry syndrome. Also called: PARKINSONISM WITH ALVEOLAR HYPOVENTILATION AND MENTAL DEPRESSION. Identifiers: Orphanet 178509, MedGen C1868594, MONDO:0008201, OMIM 168605.
Neuronopathy, distal hereditary motor, type 7B. Also called: HMN VIIB; LOWER MOTOR NEURON DISEASE, DYNACTIN TYPE; Distal Hereditary Motor Neuronopathy Type 7B (dHMN7B); NEURONOPATHY, DISTAL HEREDITARY MOTOR, AUTOSOMAL DOMINANT 14; NEURONOPATHY, DISTAL HEREDITARY MOTOR, HARDING TYPE VIIB; NEUROPATHY, DISTAL HEREDITARY MOTOR, HARDING TYPE VIIB. Identifiers: Orphanet 139589, MedGen C1843315, MONDO:0011879, OMIM 607641.
Dystonic disorder. Also called: Dystonia. Identifiers: MedGen C0013421, MONDO:0003441, HP:0001332.
Generalized dystonia. Also called: Generalized isolated dystonia. Identifiers: Orphanet 376724, MedGen C1848954, MONDO:0000476, HP:0007325.

Allele frequency attached by ClinVar (database versions not stated): TOPMed below 0.00001; gnomAD exomes below 0.00001.

Submissions (4):

OLLIN Analises Genomicas, OLLIN
Classification: Uncertain significance for Neuronopathy, distal hereditary motor, type 7B. Last evaluated: 2026-08-06. Review status: criteria provided, single submitter. Criteria: ACMG Guidelines 2015 PMID 25741868. Collection method: clinical testing. Allele origin: germline. Inheritance: Autosomal dominant inheritance.
Comment: This missense variant, located in exon 8 (of 32), has been reported in ClinVar (accession VCV000373983.8) and in gnomAD with an allele frequency of 0.00031%. However, to our knowledge, it has not been reported in the scientific literature. In silico analysis is inconclusive regarding the impact of this variant. According to the currently available evidence, this variant has been classified as uncertain significance (PM2_P).

GeneDx
Classification: Uncertain significance. Last evaluated: 2024-08-15. Review status: criteria provided, single submitter. Criteria: GeneDx Variant Classification Process June 2021. Collection method: clinical testing. Allele origin: germline. Affected: yes.
Comment: Not observed at significant frequency in large population cohorts (gnomAD); In silico analysis supports that this missense variant has a deleterious effect on protein structure/function; Has not been previously published as pathogenic or benign to our knowledge

Labcorp Genetics (formerly Invitae), Labcorp
Classification: Uncertain significance for Amyotrophic lateral sclerosis type 1; Neuronopathy, distal hereditary motor, type 7B; Perry syndrome. Last evaluated: 2022-05-11. Review status: criteria provided, single submitter. Criteria: Invitae Variant Classification Sherloc (09022015). Collection method: clinical testing. Allele origin: germline.
Comment: ClinVar contains an entry for this variant (Variation ID: 373983). In summary, the available evidence is currently insufficient to determine the role of this variant in disease. Therefore, it has been classified as a Variant of Uncertain Significance. Algorithms developed to predict the effect of missense changes on protein structure and function (SIFT, PolyPhen-2, Align-GVGD) all suggest that this variant is likely to be disruptive. This variant has not been reported in the literature in individuals affected with DCTN1-related conditions. The frequency data for this variant in the population databases is considered unreliable, as metrics indicate poor data quality at this position in the gnomAD database. This sequence change replaces proline, which is neutral and non-polar, with leucine, which is neutral and non-polar, at codon 194 of the DCTN1 protein (p.Pro194Leu).

Centre for Mendelian Genomics, University Medical Centre Ljubljana
Classification: Uncertain significance for Dystonic disorder; Generalized dystonia. Last evaluated: 2015-03-24. Review status: criteria provided, single submitter. Criteria: ACMG Guidelines, 2015. Collection method: clinical testing. Allele origin: unknown. Affected: yes.